The following is an entry in ClinVar:

ClinVar aggregate classification (germline): Uncertain significance. Review status: criteria provided, multiple submitters, no conflicts (2 of 4 stars). 2 submissions from 2 submitters: Uncertain significance (2). Last evaluated 2024-11-27.

Conditions:
Familial adenomatous polyposis 1 (FAP1). Also called: POLYPOSIS, ADENOMATOUS INTESTINAL; FAMILIAL ADENOMATOUS POLYPOSIS 1, ATTENUATED. Identifiers: MedGen C2713442, MONDO:0021056, OMIM 175100. Disease mechanism: loss of function.
Hereditary cancer-predisposing syndrome. Also called: Neoplastic Syndromes, Hereditary; Hereditary Cancer Syndrome; Hereditary neoplastic syndrome; Tumor predisposition. Identifiers: Orphanet 140162, MedGen C0027672, MeSH D009386, MONDO:0015356.

Submissions (2):

Ambry Genetics
Classification: Uncertain significance for Hereditary cancer-predisposing syndrome. Last evaluated: 2024-11-27. Review status: criteria provided, single submitter. Criteria: Ambry Variant Classification Scheme 2023. Collection method: clinical testing. Allele origin: germline.
Comment: The p.T1112I variant (also known as c.3335C>T), located in coding exon 15 of the APC gene, results from a C to T substitution at nucleotide position 3335. The threonine at codon 1112 is replaced by isoleucine, an amino acid with similar properties. This amino acid position is not well conserved in available vertebrate species. In addition, in silico predictors for this gene do not accurately predict pathogenicity. Missense alterations in APC are not a common cause of disease (Spier I et al. Genet Med. 2024 Feb;26(2):100992). Based on the available evidence, the clinical significance of this variant remains unclear.

Labcorp Genetics (formerly Invitae), Labcorp
Classification: Uncertain significance for Familial adenomatous polyposis 1. Last evaluated: 2023-09-03. Review status: criteria provided, single submitter. Criteria: Invitae Variant Classification Sherloc (09022015). Collection method: clinical testing. Allele origin: germline.
Comment: This variant has not been reported in the literature in individuals affected with APC-related conditions. This variant is not present in population databases (gnomAD no frequency). This sequence change replaces threonine, which is neutral and polar, with isoleucine, which is neutral and non-polar, at codon 1112 of the APC protein (p.Thr1112Ile). In summary, the available evidence is currently insufficient to determine the role of this variant in disease. Therefore, it has been classified as a Variant of Uncertain Significance. Advanced modeling of protein sequence and biophysical properties (such as structural, functional, and spatial information, amino acid conservation, physicochemical variation, residue mobility, and thermodynamic stability) performed at Invitae indicates that this missense variant is not expected to disrupt APC protein function.

NM_000038.6(APC):c.3335C>T (p.Thr1112Ile)

Gene: APC (APC regulator of Wnt signaling pathway; plus strand). Cytogenetic location: 5q22.2.
Variant type: single nucleotide variant.
Coding change: c.3335C>T on transcript NM_000038.6 (MANE Select); coding-DNA position 3335, C replaced by T.
Protein change: p.Thr1112Ile; replaces threonine 1112 with isoleucine.
Molecular consequence: missense variant. On other transcripts: non-coding transcript variant (2).
Genome position (GRCh38, 1-based): chr5:112,838,929, C>T. VCF-style: chr5-112838929-C-T. GRCh37 (hg19) VCF-style: chr5-112174626-C-T.
Other names: c.3335C>T (NM_000038.5); c.3335C>T, p.Thr1112Ile (NM_001127510.3, NM_001354895.2, NM_001407450.1); c.3281C>T, p.Thr1094Ile (NM_001127511.3); c.3389C>T, p.Thr1130Ile (NM_001354896.2, NM_001407447.1, NM_001407448.1 and 1 more transcripts); c.3365C>T, p.Thr1122Ile (NM_001354897.2); c.3260C>T, p.Thr1087Ile (NM_001354898.2); c.3251C>T, p.Thr1084Ile (NM_001354899.2); c.3212C>T, p.Thr1071Ile (NM_001354900.2); and 12 more; short protein forms T1021I, T1105I, T1130I, T1011I, T1029I, T1140I, T829I, T986I.
Identifiers: ClinVar variation 2757713 (VCV002757713.4), dbSNP rs146007372, ClinGen allele CA16028647.